The following is an entry in ClinVar:

ClinVar aggregate classification (germline): Uncertain significance (1 of 4 stars; one submission).

Conditions:
Carnitine palmitoyltransferase II deficiency. Also called: Carnitine Palmitoyltransferase 2 Deficiency. Identifiers: Orphanet 157, MedGen C0342790, MONDO:0015515.

Allele frequency attached by ClinVar (database versions not stated): TOPMed below 0.00001; gnomAD 0.00001; gnomAD exomes 0.00001.
gnomAD v4.1: 6 of 1,527,666 alleles (0.00039%); highest among the groups gnomAD compares: Non-Finnish European, 0.00052%; no homozygotes.

Submission:

Labcorp Genetics (formerly Invitae), Labcorp
Classification: Uncertain significance for Carnitine palmitoyltransferase II deficiency. Last evaluated: 2022-07-12. Review status: criteria provided, single submitter. Criteria: Invitae Variant Classification Sherloc (09022015). Collection method: clinical testing. Allele origin: germline.
Comment: This sequence change replaces tryptophan, which is neutral and slightly polar, with cysteine, which is neutral and slightly polar, at codon 10 of the CPT2 protein (p.Trp10Cys). This variant is not present in population databases (gnomAD no frequency). This variant has not been reported in the literature in individuals affected with CPT2-related conditions. Advanced modeling of protein sequence and biophysical properties (such as structural, functional, and spatial information, amino acid conservation, physicochemical variation, residue mobility, and thermodynamic stability) performed at Invitae indicates that this missense variant is not expected to disrupt CPT2 protein function. In summary, the available evidence is currently insufficient to determine the role of this variant in disease. Therefore, it has been classified as a Variant of Uncertain Significance.

NM_000098.3(CPT2):c.30G>T (p.Trp10Cys)

Genes: CPT2 (carnitine palmitoyltransferase 2; plus strand), LOC129930561 (ATAC-STARR-seq lymphoblastoid silent region 902; plus strand). Cytogenetic location: 1p32.3.
Variant type: single nucleotide variant.
Coding change: c.30G>T on transcript NM_000098.3 (MANE Select); coding-DNA position 30, G replaced by T.
Protein change: p.Trp10Cys; replaces tryptophan 10 with cysteine.
Molecular consequence: missense variant.
Genome position (GRCh38, 1-based): chr1:53,196,973, G>T. VCF-style: chr1-53196973-G-T. GRCh37 (hg19) VCF-style: chr1-53662645-G-T.
Other names: c.30G>T, p.Trp10Cys (NM_001330589.2); short protein forms W10C.
Identifiers: ClinVar variation 1967523 (VCV001967523.2), dbSNP rs947016530, ClinGen allele CA340388603.
Genomic context (GRCh38, chr1:53,196,973, plus strand): 5'-CGCGTTCTCGCCGCCGCAGGCTCCCGGGACGATGGTGCCCCGCCTGCTGCTGCGCGCCTG[G>T]CCCCGGGGCCCCGCGGTTGGTCCGGGAGCCCCCAGTCGGCCCCTCAGCGCCGGCTCCGGG-3'
Protein context (NP_000089.1, residues 1-20): MVPRLLLRA[Trp10Cys]PRGPAVGPGA